The following is an entry in ClinVar:

ClinVar aggregate classification (germline): Uncertain significance. Review status: criteria provided, multiple submitters, no conflicts (2 of 4 stars). 2 submissions from 2 submitters: Uncertain significance (2). Last evaluated 2026-08-24.

Conditions:
Inborn genetic diseases. Identifiers: MedGen C0950123, MeSH D030342.
Stormorken syndrome (STRMK). Also called: THROMBOCYTOPATHY, ASPLENIA, AND MIOSIS. Identifiers: Orphanet 3204, MedGen C1861451, MONDO:0008497, OMIM 185070.
Combined immunodeficiency due to STIM1 deficiency. Also called: IMMUNODEFICIENCY 10; STIM1 DEFICIENCY. Identifiers: Orphanet 169090, Orphanet 317430, MedGen C2748557, MONDO:0013008, OMIM 612783.
Myopathy with tubular aggregates (TAM). Also called: Tubular Aggregate Myopathy. Identifiers: Orphanet 2593, MedGen C0410207, MONDO:0008051.

Allele frequency attached by ClinVar (database versions not stated): gnomAD exomes below 0.00001; gnomAD 0.00001; TOPMed 0.00001; ESP Exome Variant Server 0.00008.
gnomAD v4.1: 8 of 1,614,096 alleles (0.0005%); highest among the groups gnomAD compares: African/African-American, 0.0013%; no homozygotes.

Submissions (2):

Ambry Genetics
Classification: Uncertain significance for Inborn genetic diseases. Last evaluated: 2026-08-24. Review status: criteria provided, single submitter. Criteria: Ambry Variant Classification Scheme 2023. Collection method: clinical testing. Allele origin: germline.

Labcorp Genetics (formerly Invitae), Labcorp
Classification: Uncertain significance for Myopathy with tubular aggregates; Combined immunodeficiency due to STIM1 deficiency; Stormorken syndrome. Last evaluated: 2025-05-25. Review status: criteria provided, single submitter. Criteria: Invitae Variant Classification Sherloc (09022015). Collection method: clinical testing. Allele origin: germline.
Comment: This sequence change replaces arginine, which is basic and polar, with histidine, which is basic and polar, at codon 69 of the STIM1 protein (p.Arg69His). This variant is present in population databases (rs376734394, gnomAD 0.01%). This variant has not been reported in the literature in individuals affected with STIM1-related conditions. ClinVar contains an entry for this variant (Variation ID: 2950825). Invitae Evidence Modeling of protein sequence and biophysical properties (such as structural, functional, and spatial information, amino acid conservation, physicochemical variation, residue mobility, and thermodynamic stability) has been performed for this missense variant. However, the output from this modeling did not meet the statistical confidence thresholds required to predict the impact of this variant on STIM1 protein function. In summary, the available evidence is currently insufficient to determine the role of this variant in disease. Therefore, it has been classified as a Variant of Uncertain Significance.

NM_001382567.1(STIM1):c.206G>A (p.Arg69His)

Gene: STIM1 (stromal interaction molecule 1; plus strand). Cytogenetic location: 11p15.4.
Variant type: single nucleotide variant.
Coding change: c.206G>A on transcript NM_001382567.1 (MANE Select); coding-DNA position 206, G replaced by A.
Protein change: p.Arg69His; replaces arginine 69 with histidine.
Molecular consequence: missense variant. On other transcripts: 5 prime UTR variant (8), non-coding transcript variant (3), intron variant (4).
Genome position (GRCh38, 1-based): chr11:3,967,618, G>A. VCF-style: chr11-3967618-G-A. GRCh37 (hg19) VCF-style: chr11-3988848-G-A.
Other names: c.206G>A, p.Arg69His (NM_001277961.3, NM_001277962.2, NM_001382568.1 and 3 more transcripts); c.-17G>A (NM_001382566.1, NM_001382573.1, NM_001382574.1 and 5 more transcripts); c.-219-56255G>A (NM_001382580.1, NM_001382581.1); c.136-56255G>A (NM_001382569.1); c.-98-56255G>A (NM_001382571.1); short protein forms R69H.
Identifiers: ClinVar variation 2950825 (VCV002950825.4), dbSNP rs376734394, ClinGen allele CA216283055.
Genomic context (GRCh38, chr11:3,967,618, plus strand): 5'-GCCGAATTGACAAGCCCCTGTGTCACAGTGAGGATGAGAAACTCAGCTTCGAGGCAGTCC[G>A]TAACATCCACAAACTGATGGACGATGATGCCAATGGTGATGTGGATGTGGAAGAAAGTGA-3'
Protein context (NP_001369496.1, residues 59-79): EDEKLSFEAV[Arg69His]NIHKLMDDDA